The following is an entry in ClinVar:

ClinVar aggregate classification (germline): Uncertain significance (1 of 4 stars; one submission).

Allele frequency attached by ClinVar (database versions not stated): gnomAD exomes below 0.00001 and 0.00001; gnomAD 0.00001; TOPMed 0.00002.
gnomAD v4.1: 5 of 1,612,874 alleles (0.00031%); highest among the groups gnomAD compares: Non-Finnish European, 0.00042%; no homozygotes.

Submission:

Labcorp Genetics (formerly Invitae), Labcorp
Classification: Uncertain significance. Last evaluated: 2025-07-22. Review status: criteria provided, single submitter. Criteria: Invitae Variant Classification Sherloc (09022015). Collection method: clinical testing. Allele origin: germline.
Comment: This sequence change replaces serine, which is neutral and polar, with alanine, which is neutral and non-polar, at codon 3776 of the KMT2A protein (p.Ser3776Ala). This variant is present in population databases (rs9332861, gnomAD 0.003%). This variant has not been reported in the literature in individuals affected with KMT2A-related conditions. ClinVar contains an entry for this variant (Variation ID: 1384562). Invitae Evidence Modeling of protein sequence and biophysical properties (such as structural, functional, and spatial information, amino acid conservation, physicochemical variation, residue mobility, and thermodynamic stability) indicates that this missense variant is not expected to disrupt KMT2A protein function with a negative predictive value of 95%. In summary, the available evidence is currently insufficient to determine the role of this variant in disease. Therefore, it has been classified as a Variant of Uncertain Significance.

NM_001197104.2(KMT2A):c.11326T>G (p.Ser3776Ala)

Genes: KMT2A (lysine methyltransferase 2A; plus strand), TTC36-AS1 (TTC36 and KMT2A antisense RNA 1; minus strand). Cytogenetic location: 11q23.3.
Variant type: single nucleotide variant.
Coding change: c.11326T>G on transcript NM_001197104.2 (MANE Select); coding-DNA position 11326, T replaced by G.
Protein change: p.Ser3776Ala; replaces serine 3776 with alanine.
Molecular consequence: missense variant.
Genome position (GRCh38, 1-based): chr11:118,519,961, T>G. VCF-style: chr11-118519961-T-G. GRCh37 (hg19) VCF-style: chr11-118390676-T-G.
Other names: c.11317T>G, p.Ser3773Ala (NM_005933.4); short protein forms S3773A, S3776A.
Identifiers: ClinVar variation 1384562 (VCV001384562.6), dbSNP rs9332861, ClinGen allele CA229538968.